The following is an entry in ClinVar:

NM_005515.4(MNX1):c.195G>A (p.Pro65=)

Gene: MNX1 (motor neuron and pancreas homeobox 1; minus strand). Cytogenetic location: 7q36.3.
Variant type: single nucleotide variant.
Coding change: c.195G>A on transcript NM_005515.4 (MANE Select); coding-DNA position 195, G replaced by A.
Protein change: p.Pro65=; no amino-acid change (proline 65 retained).
Molecular consequence: synonymous variant.
Genome position (GRCh38, 1-based): chr7:157,010,156, C>T on the plus strand (G>A on the coding strand, the complement: MNX1 is on the minus strand). VCF-style: chr7-157010156-C-T. GRCh37 (hg19) VCF-style: chr7-156802850-C-T.
Identifiers: ClinVar variation 3350547 (VCV003350547.1).

ClinVar aggregate classification (germline): Likely benign (0 of 4 stars; one submission).

Conditions:
MNX1-related disorder. Also called: MNX1-related condition.

Submission:

PreventionGenetics, part of Exact Sciences
Classification: Likely benign for MNX1-related condition. Last evaluated: 2024-03-27. Review status: no assertion criteria provided. Collection method: clinical testing. Allele origin: germline.
Comment: This variant is classified as likely benign based on ACMG/AMP sequence variant interpretation guidelines (Richards et al. 2015 PMID: 25741868, with internal and published modifications).